The following is an entry in ClinVar:

ClinVar aggregate classification (germline): Likely benign. Review status: criteria provided, multiple submitters, no conflicts (2 of 4 stars). 2 submissions from 2 submitters: Likely benign (2). Last evaluated 2025-10-03.

Conditions:
Dilated cardiomyopathy 1G (CMD1G). Identifiers: Orphanet 154, MedGen C1858763, MONDO:0011400, OMIM 604145.
Autosomal recessive limb-girdle muscular dystrophy type 2J (LGMDR10). Also called: MUSCULAR DYSTROPHY, LIMB-GIRDLE, AUTOSOMAL RECESSIVE 10; Limb-girdle muscular dystrophy, type 2J. Identifiers: Orphanet 140922, MedGen C1837342, MONDO:0012127, OMIM 608807.

Allele frequency attached by ClinVar (database versions not stated): ExAC 0.00002; gnomAD exomes 0.00002; gnomAD 0.00004.
gnomAD v4.1: 14 of 1,611,284 alleles (0.00087%); highest among the groups gnomAD compares: Admixed American, 0.0017%; no homozygotes.

Submissions (2):

Labcorp Genetics (formerly Invitae), Labcorp
Classification: Likely benign for Dilated cardiomyopathy 1G; Autosomal recessive limb-girdle muscular dystrophy type 2J. Last evaluated: 2025-10-03. Review status: criteria provided, single submitter. Criteria: Invitae Variant Classification Sherloc (09022015). Collection method: clinical testing. Allele origin: germline.

CeGaT Center for Human Genetics Tuebingen
Classification: Likely benign. Last evaluated: 2022-04-01. Review status: criteria provided, single submitter. Criteria: CeGaT Center For Human Genetics Tuebingen Variant Classification Criteria Version 2. Collection method: clinical testing. Allele origin: germline. Affected: yes. Observed: 1 variant allele.
Comment: TTN: BP4, BP7

NM_001267550.2(TTN):c.23685C>T (p.Pro7895=)

Gene: TTN (titin; minus strand). Cytogenetic location: 2q31.2.
Variant type: single nucleotide variant.
Coding change: c.23685C>T on transcript NM_001267550.2 (MANE Select); coding-DNA position 23685, C replaced by T.
Protein change: p.Pro7895=; no amino-acid change (proline 7895 retained).
Molecular consequence: synonymous variant. On other transcripts: intron variant (3).
Genome position (GRCh38, 1-based): chr2:178,719,807, G>A on the plus strand (C>T on the coding strand, the complement: TTN is on the minus strand). VCF-style: chr2-178719807-G-A. GRCh37 (hg19) VCF-style: chr2-179584534-G-A.
Other names: c.22734C>T, p.Pro7578= (NM_001256850.1); c.19953C>T, p.Pro6651= (NM_133378.4); c.13282+18275C>T (NM_003319.4); c.13858+18275C>T (NM_133437.4); c.13657+18275C>T (NM_133432.3).
Identifiers: ClinVar variation 1152524 (VCV001152524.33), dbSNP rs755534186, ClinGen allele CA2000579.